The following is an entry in ClinVar:

ClinVar aggregate classification (germline): Uncertain significance. Review status: criteria provided, multiple submitters, no conflicts (2 of 4 stars). 5 submissions from 5 submitters: Uncertain significance (5). Last evaluated 2025-10-20.

Conditions:
Familial thoracic aortic aneurysm and aortic dissection (TAAD). Also called: Thoracic aortic aneurysms and dissections. Identifiers: Orphanet 91387, MedGen C4707243, MONDO:0019625.
Aortic aneurysm, familial thoracic 6 (AAT6). Also called: FAMILIAL THORACIC AORTIC ANEURYSM WITH LIVEDO RETICULARIS AND IRIS FLOCCULI. Identifiers: MedGen C2673186, MONDO:0012730, OMIM 611788.

Allele frequency attached by ClinVar (database versions not stated): gnomAD exomes below 0.00001.
gnomAD v4.1: 3 of 1,614,024 alleles (0.00019%); highest among the groups gnomAD compares: Non-Finnish European, 0.00025%; no homozygotes.

Submissions (5):

Color Diagnostics, LLC DBA Color Health
Classification: Uncertain significance for Familial thoracic aortic aneurysm and aortic dissection. Last evaluated: 2025-10-20. Review status: criteria provided, single submitter. Criteria: ACMG Guidelines, 2015. Collection method: clinical testing. Allele origin: germline.
Comment: This missense variant replaces glycine with arginine at codon 253 of the ACTA2 protein. Computational prediction suggests that this variant may have deleterious impact on protein structure and function. To our knowledge, functional studies have not been reported for this variant. This variant has not been reported in individuals affected with ACTA2-related disorders in the literature. This variant has been identified in 3/1461754 chromosomes in the general population by the Genome Aggregation Database (gnomAD). The available evidence is insufficient to determine the role of this variant in disease conclusively. Therefore, this variant is classified as a Variant of Uncertain Significance.

Ambry Genetics
Classification: Uncertain significance for Familial thoracic aortic aneurysm and aortic dissection. Last evaluated: 2024-08-01. Review status: criteria provided, single submitter. Criteria: Ambry Variant Classification Scheme 2023. Collection method: clinical testing. Allele origin: germline.
Comment: The p.G253R variant (also known as c.757G>A), located in coding exon 6 of the ACTA2 gene, results from a G to A substitution at nucleotide position 757. The glycine at codon 253 is replaced by arginine, an amino acid with dissimilar properties. This amino acid position is highly conserved in available vertebrate species. In addition, this alteration is predicted to be deleterious by in silico analysis. Based on the available evidence, the clinical significance of this variant remains unclear.

GeneDx
Classification: Uncertain significance. Last evaluated: 2024-05-08. Review status: criteria provided, single submitter. Criteria: GeneDx Variant Classification Process June 2021. Collection method: clinical testing. Allele origin: germline. Affected: yes.
Comment: Has not been previously published as pathogenic or benign to our knowledge; Not observed at significant frequency in large population cohorts (gnomAD); In silico analysis supports that this missense variant has a deleterious effect on protein structure/function

All of Us Research Program, National Institutes of Health
Classification: Uncertain significance for Familial thoracic aortic aneurysm and aortic dissection. Last evaluated: 2023-11-30. Review status: criteria provided, single submitter. Criteria: ACMG Guidelines, 2015. Collection method: clinical testing. Allele origin: germline. Inheritance: Autosomal dominant inheritance. Observed: 1 variant allele, 1 heterozygote.
Comment: This study involves interpretation of variants in research participants for the purpose of population health screening. Participant phenotype was not available at the time of variant classification. Additional details can be found in publication PMID: 35346344, PMCID: PMC8962531

Labcorp Genetics (formerly Invitae), Labcorp
Classification: Uncertain significance for Aortic aneurysm, familial thoracic 6. Last evaluated: 2023-08-04. Review status: criteria provided, single submitter. Criteria: Invitae Variant Classification Sherloc (09022015). Collection method: clinical testing. Allele origin: germline.
Comment: In summary, the available evidence is currently insufficient to determine the role of this variant in disease. Therefore, it has been classified as a Variant of Uncertain Significance. Advanced modeling of protein sequence and biophysical properties (such as structural, functional, and spatial information, amino acid conservation, physicochemical variation, residue mobility, and thermodynamic stability) performed at Invitae indicates that this missense variant is not expected to disrupt ACTA2 protein function. This sequence change replaces glycine, which is neutral and non-polar, with arginine, which is basic and polar, at codon 253 of the ACTA2 protein (p.Gly253Arg). This variant is present in population databases (no rsID available, gnomAD 0.0009%). This variant has not been reported in the literature in individuals affected with ACTA2-related conditions. ClinVar contains an entry for this variant (Variation ID: 2041051).

NM_001613.4(ACTA2):c.757G>A (p.Gly253Arg)

Genes: ACTA2 (actin alpha 2, smooth muscle; minus strand), ACTA2-AS1 (ACTA2 antisense RNA 1; plus strand). Cytogenetic location: 10q23.31.
Variant type: single nucleotide variant.
Coding change: c.757G>A on transcript NM_001613.4 (MANE Select); coding-DNA position 757, G replaced by A.
Protein change: p.Gly253Arg; replaces glycine 253 with arginine.
Molecular consequence: missense variant. On other transcripts: non-coding transcript variant (1).
Genome position (GRCh38, 1-based): chr10:88,939,558, C>T on the plus strand (G>A on the coding strand, the complement: ACTA2 is on the minus strand). VCF-style: chr10-88939558-C-T. GRCh37 (hg19) VCF-style: chr10-90699315-C-T.
Other names: c.757G>A, p.Gly253Arg (NM_001141945.3, NM_001320855.2, NM_001406462.1 and 2 more transcripts); c.646G>A, p.Gly216Arg (NM_001406466.1); c.628G>A, p.Gly210Arg (NM_001406467.1, NM_001406468.1, NM_001406469.1); short protein forms G210R, G216R, G253R.
Identifiers: ClinVar variation 2041051 (VCV002041051.8), dbSNP rs1252359045, ClinGen allele CA377511244.